The following is an entry in ClinVar:

NM_001298.3(CNGA3):c.1706G>A (p.Arg569His)

Gene: CNGA3 (cyclic nucleotide gated channel subunit alpha 3; plus strand). Cytogenetic location: 2q11.2.
Variant type: single nucleotide variant.
Coding change: c.1706G>A on transcript NM_001298.3 (MANE Select); coding-DNA position 1706, G replaced by A.
Protein change: p.Arg569His; replaces arginine 569 with histidine.
Molecular consequence: missense variant.
Genome position (GRCh38, 1-based): chr2:98,396,876, G>A. VCF-style: chr2-98396876-G-A. GRCh37 (hg19) VCF-style: chr2-99013339-G-A.
Other names: c.1652G>A, p.Arg551His (NM_001079878.2); short protein forms R569H, R551H.
Identifiers: ClinVar variation 861698 (VCV000861698.13), dbSNP rs201782746, ClinGen allele CA1794074.

ClinVar aggregate classification (germline): Pathogenic. Review status: criteria provided, multiple submitters, no conflicts (2 of 4 stars). 5 submissions from 5 submitters: Pathogenic (5). Last evaluated 2026-01-19.

Conditions:
Retinal dystrophy. Also called: Inherited retinal dystrophy. Identifiers: Orphanet 71862, MedGen C0854723, MeSH D058499, MONDO:0019118, HP:0000556.
Achromatopsia 2 (ACHM2). Also called: ROD MONOCHROMACY 2; ROD MONOCHROMATISM 2; COLORBLINDNESS, TOTAL. Identifiers: Orphanet 49382, MedGen C1857618, MONDO:0009003, OMIM 216900.
CNGA3-related disorders.

Allele frequency attached by ClinVar (database versions not stated): ExAC 0.00002; gnomAD exomes 0.00002; gnomAD 0.00003; TOPMed 0.00004; ESP Exome Variant Server 0.00008.
gnomAD v4.1: 33 of 1,614,014 alleles (0.002%); highest among the groups gnomAD compares: African/African-American, 0.0053%; no homozygotes.

Submissions (5):

Labcorp Genetics (formerly Invitae), Labcorp
Classification: Pathogenic. Last evaluated: 2026-01-19. Review status: criteria provided, single submitter. Criteria: Invitae Variant Classification Sherloc (09022015). Collection method: clinical testing. Allele origin: germline.
Comment: This sequence change replaces arginine, which is basic and polar, with histidine, which is basic and polar, at codon 569 of the CNGA3 protein (p.Arg569His). This variant is present in population databases (rs201782746, gnomAD 0.006%). This missense change has been observed in individual(s) with clinical features of achromatopsia (PMID: 11536077, 24148654, 26493561, 30337596). In at least one individual the data is consistent with being in trans (on the opposite chromosome) from a pathogenic variant. ClinVar contains an entry for this variant (Variation ID: 861698). Invitae Evidence Modeling of protein sequence and biophysical properties (such as structural, functional, and spatial information, amino acid conservation, physicochemical variation, residue mobility, and thermodynamic stability) indicates that this missense variant is expected to disrupt CNGA3 protein function with a positive predictive value of 95%. Experimental studies have shown that this missense change affects CNGA3 function (PMID: 17693388). For these reasons, this variant has been classified as Pathogenic.

Women's Health and Genetics/Laboratory Corporation of America, LabCorp
Classification: Pathogenic for Achromatopsia 2. Last evaluated: 2024-08-05. Review status: criteria provided, single submitter. Criteria: LabCorp Variant Classification Summary - May 2015. Collection method: clinical testing. Allele origin: germline.
Comment: Variant summary: CNGA3 c.1706G>A (p.Arg569His) results in a non-conservative amino acid change located in the Cyclic nucleotide-binding domain (IPR000595) of the encoded protein sequence. Five of five in-silico tools predict a damaging effect of the variant on protein function. The variant allele was found at a frequency of 1.6e-05 in 251324 control chromosomes. c.1706G>A has been reported in the literature in multiple compound heterozygous individuals affected with Achromatopsia (e.g. Sun_2020). These data indicate that the variant is likely to be associated with disease. A different variant affecting the same codon has been classified as pathogenic by our lab (c.1705C>T, p.Arg569Cys), supporting the critical relevance of codon 569 to CNGA3 protein function. The following publication has been ascertained in the context of this evaluation (PMID: 32913385). ClinVar contains an entry for this variant (Variation ID: 861698). Based on the evidence outlined above, the variant was classified as pathogenic.

Blueprint Genetics
Classification: Pathogenic for CNGA3-related disorders. Last evaluated: 2024-06-25. Review status: criteria provided, single submitter. Criteria: ACMG Guidelines, 2015. Collection method: clinical testing. Allele origin: germline. Affected: yes. Observed: 5 variant alleles.

3billion
Classification: Pathogenic for Achromatopsia 2. Last evaluated: 2023-09-25. Review status: criteria provided, single submitter. Criteria: ACMG Guidelines, 2015. Collection method: clinical testing. Allele origin: germline. Affected: yes.
Comment: The variant is observed at an extremely low frequency in the gnomAD v2.1.1 dataset (total allele frequency: 0.002%). Predicted Consequence/Location: Missense variant In silico tool predictions suggest damaging effect of the variant on gene or gene product [REVEL: 0.89 (>=0.6, sensitivity 0.68 and specificity 0.92); 3Cnet: 0.98 (>=0.6, sensitivity 0.72 and precision 0.9)]. The same nucleotide change resulting in the same amino acid change has been previously reported as pathogenic/likely pathogenic with strong evidence (ClinVar ID: VCV000861698 /PMID: 11536077). The variant has been reported to be in trans with a pathogenic variant as either compound heterozygous or homozygous in at least one similarly affected unrelated individual (PMID: 18521937). A different missense change at the same codon (p.Arg569Cys) has been reported to be associated with CNGA3 related disorder (ClinVar ID: VCV000862038). Therefore, this variant is classified as Pathogenic according to the recommendation of ACMG/AMP guideline.

Institute of Human Genetics, Univ. Regensburg, Univ. Regensburg
Classification: Pathogenic for Retinal dystrophy. Last evaluated: 2016-01-01. Review status: criteria provided, single submitter. Criteria: ACMG Guidelines, 2015. Collection method: clinical testing. Allele origin: germline. Affected: yes.

Literature cited by the submitters: PubMed 11536077 (cited by 3 submitters); PubMed 24148654 (cited by Labcorp Genetics (formerly Invitae), Labcorp); PubMed 26493561 (cited by Labcorp Genetics (formerly Invitae), Labcorp and Institute of Human Genetics, Univ. Regensburg, Univ. Regensburg); PubMed 30337596 (cited by Labcorp Genetics (formerly Invitae), Labcorp and Institute of Human Genetics, Univ. Regensburg, Univ. Regensburg); PubMed 17693388 (cited by Labcorp Genetics (formerly Invitae), Labcorp and Institute of Human Genetics, Univ. Regensburg, Univ. Regensburg); PubMed 32913385 (cited by Women's Health and Genetics/Laboratory Corporation of America, LabCorp); PubMed 18521937 (cited by 3billion); PubMed 31964843 (cited by Institute of Human Genetics, Univ. Regensburg, Univ. Regensburg); PubMed 31429209 (cited by Institute of Human Genetics, Univ. Regensburg, Univ. Regensburg); PubMed 32531858 (cited by Institute of Human Genetics, Univ. Regensburg, Univ. Regensburg); PubMed 35119454 (cited by Institute of Human Genetics, Univ. Regensburg, Univ. Regensburg).